The following is an entry in ClinVar:

ClinVar aggregate classification (germline): Uncertain significance (1 of 4 stars; one submission).

gnomAD v4.1: 33 of 1,613,324 alleles (0.002%); highest among the groups gnomAD compares: Middle Eastern, 0.016%; no homozygotes.

Submission:

Dasa
Classification: Uncertain significance. Last evaluated: 2025-10-09. Review status: criteria provided, single submitter. Criteria: DASA Assertion Criteria. Collection method: clinical testing. Allele origin: germline.
Comment: NM_001374504.1(TMPRSS6):c.1780G>T (p.Gly594Trp) is a missense variant that results in the substitution of glycine with tryptophan. This variant is rare in population databases. Computational prediction algorithms are consistent with a deleterious effect. The currently available literature and clinical evidence are not sufficient to establish a definitive association between this variant and the reported condition. Therefore, this variant is classified as a variant of uncertain significance.

NM_001374504.1(TMPRSS6):c.1780G>T (p.Gly594Trp)

Gene: TMPRSS6 (transmembrane serine protease 6; minus strand). Cytogenetic location: 22q12.3.
Variant type: single nucleotide variant.
Coding change: c.1780G>T on transcript NM_001374504.1 (MANE Select); coding-DNA position 1780, G replaced by T.
Protein change: p.Gly594Trp; replaces glycine 594 with tryptophan.
Molecular consequence: missense variant.
Genome position (GRCh38, 1-based): chr22:37,070,545, C>A on the plus strand (G>T on the coding strand, the complement: TMPRSS6 is on the minus strand). VCF-style: chr22-37070545-C-A. GRCh37 (hg19) VCF-style: chr22-37466585-C-A.
Other names: c.1780G>T, p.Gly594Trp (NM_001289000.2, NM_001289001.2, NM_153609.4); short protein forms G594W.
Identifiers: ClinVar variation 4883819 (VCV004883819.2).